The following is an entry in ClinVar:

ClinVar aggregate classification (germline): Uncertain significance (1 of 4 stars; one submission).

Submission:

Ambry Genetics
Classification: Uncertain significance. Last evaluated: 2023-03-20. Review status: criteria provided, single submitter. Criteria: Ambry Variant Classification Scheme 2023. Collection method: clinical testing. Allele origin: germline.
Comment: The p.F796L variant (also known as c.2386T>C), located in coding exon 12 of the PALLD gene, results from a T to C substitution at nucleotide position 2386. The phenylalanine at codon 796 is replaced by leucine, an amino acid with highly similar properties. This amino acid position is conserved. In addition, this alteration is predicted to be deleterious by in silico analysis. Since supporting evidence is limited at this time, the clinical significance of this alteration remains unclear.

NM_001166108.2(PALLD):c.2437T>C (p.Phe813Leu)

Genes: CBR4 (carbonyl reductase 4; minus strand), PALLD (palladin, cytoskeletal associated protein; plus strand). Cytogenetic location: 4q32.3.
Variant type: single nucleotide variant.
Coding change: c.2437T>C on transcript NM_001166108.2 (MANE Select); coding-DNA position 2437, T replaced by C.
Protein change: p.Phe813Leu; replaces phenylalanine 813 with leucine.
Molecular consequence: missense variant.
Genome position (GRCh38, 1-based): chr4:168,898,679, T>C. VCF-style: chr4-168898679-T-C. GRCh37 (hg19) VCF-style: chr4-169819830-T-C.
Other names: c.1240T>C, p.Phe414Leu (NM_001166109.2); c.925T>C, p.Phe309Leu (NM_001166110.2); c.265T>C, p.Phe89Leu (NM_001367567.1, NM_001367569.1); c.316T>C, p.Phe106Leu (NM_001367568.1, NM_001367570.1); c.2386T>C, p.Phe796Leu (NM_016081.4); short protein forms F414L, F813L, F106L, F89L, F309L, F796L.
Identifiers: ClinVar variation 2563382 (VCV002563382.2), dbSNP rs2533736607, ClinGen allele CA358799137.